The following is an entry in ClinVar:

ClinVar aggregate classification (germline): Uncertain significance (1 of 4 stars; one submission).

Conditions:
Severe early-onset pulmonary alveolar proteinosis due to MARS deficiency. Also called: PULMONARY ALVEOLAR PROTEINOSIS, REUNION ISLAND; Interstitial lung and liver disease. Identifiers: Orphanet 440427, MedGen C4225400, MONDO:0014206, OMIM 615486.
Charcot-Marie-Tooth disease axonal type 2U. Also called: CHARCOT-MARIE-TOOTH NEUROPATHY, TYPE 2U; CHARCOT-MARIE-TOOTH DISEASE, AXONAL, AUTOSOMAL DOMINANT, TYPE 2U. Identifiers: Orphanet 397735, MedGen C4084821, MONDO:0014566, OMIM 616280.

Submission:

Labcorp Genetics (formerly Invitae), Labcorp
Classification: Uncertain significance for Charcot-Marie-Tooth disease axonal type 2U; Severe early-onset pulmonary alveolar proteinosis due to MARS deficiency. Last evaluated: 2026-01-04. Review status: criteria provided, single submitter. Criteria: Invitae Variant Classification Sherloc (09022015). Collection method: clinical testing. Allele origin: germline.
Comment: This sequence change replaces glycine, which is neutral and non-polar, with serine, which is neutral and polar, at codon 896 of the MARS protein (p.Gly896Ser). This variant is not present in population databases (gnomAD no frequency). This variant has not been reported in the literature in individuals affected with MARS-related conditions. Experimental studies and prediction algorithms are not available or were not evaluated, and the functional significance of this variant is currently unknown. In summary, the available evidence is currently insufficient to determine the role of this variant in disease. Therefore, it has been classified as a Variant of Uncertain Significance.

NM_004990.4(MARS1):c.2686G>A (p.Gly896Ser)

Gene: MARS1 (methionyl-tRNA synthetase 1; plus strand). Cytogenetic location: 12q13.3.
Variant type: single nucleotide variant.
Coding change: c.2686G>A on transcript NM_004990.4 (MANE Select); coding-DNA position 2686, G replaced by A.
Protein change: p.Gly896Ser; replaces glycine 896 with serine.
Molecular consequence: missense variant.
Genome position (GRCh38, 1-based): chr12:57,516,564, G>A. VCF-style: chr12-57516564-G-A. GRCh37 (hg19) VCF-style: chr12-57910347-G-A.
Other names: short protein forms G896S.
Identifiers: ClinVar variation 4787679 (VCV004787679.1).